The following is an entry in ClinVar:

NM_031407.7(HUWE1):c.727C>G (p.Leu243Val)

Gene: HUWE1 (HECT, UBA and WWE domain containing E3 ubiquitin protein ligase 1; minus strand). Cytogenetic location: Xp11.22.
Variant type: single nucleotide variant.
Coding change: c.727C>G on transcript NM_031407.7 (MANE Select); coding-DNA position 727, C replaced by G.
Protein change: p.Leu243Val; replaces leucine 243 with valine.
Molecular consequence: missense variant.
Genome position (GRCh38, 1-based): chrX:53,631,449, G>C on the plus strand (C>G on the coding strand, the complement: HUWE1 is on the minus strand). VCF-style: chrX-53631449-G-C. GRCh37 (hg19) VCF-style: chrX-53658401-G-C.
Other names: short protein forms L243V.
Identifiers: ClinVar variation 3365634 (VCV003365634.2).
Genomic context (GRCh38, chrX:53,631,449, plus strand): 5'-TGGATGTTTTAAAGCCACATCATACCTGCTTATCCTTAGGAATGCTGTACATTTTGGTAA[G>C]AGATTCCATGATTTCAGAAGGGCTTTCTGAAATCTACATTAAAAAAAAAGATATAGTTAG-3'
Protein context (NP_113584.3, residues 233-253): SESPSEIMES[Leu243Val]TKMYSIPKDK

ClinVar aggregate classification (germline): Uncertain significance (1 of 4 stars; one submission).

gnomAD v4.1: 2 of 1,202,996 alleles (0.00017%); highest among the groups gnomAD compares: African/African-American, 0.0035%; no homozygotes.

Submission:

GeneDx
Classification: Uncertain significance. Last evaluated: 2025-08-08. Review status: criteria provided, single submitter. Criteria: GeneDx Variant Classification Process June 2021. Collection method: clinical testing. Allele origin: germline.
Comment: Has not been previously published as pathogenic or benign to our knowledge; Not observed at significant frequency in large population cohorts (gnomAD); In silico analysis suggests that this missense variant does not alter protein structure/function